The following is an entry in ClinVar:

NM_001114753.3(ENG):c.1410del (p.Gln471fs)

Genes: ENG (endoglin; minus strand), LOC102723566 (uncharacterized LOC102723566; plus strand). Cytogenetic location: 9q34.11.
Variant type: Deletion.
Coding change: c.1410del on transcript NM_001114753.3 (MANE Select); coding-DNA position 1410, one base deleted (G; older notation c.1410delG).
Protein change: p.Gln471fs; shifts the reading frame from glutamine 471.
Molecular consequence: frameshift variant.
Genome position (GRCh38, 1-based): chr9:127,818,734, C deleted on the plus strand (G on the coding strand, the reverse complement: ENG is on the minus strand); the first of 4 consecutive C bases (chr9:127,818,734-127,818,737); deleting any one gives the same sequence. VCF-style (leftmost placement, unchanged base first): chr9-127818733-GC-G. GRCh37 (hg19) VCF-style: chr9-130581012-GC-G.
Other names: c.1410delG (NM_000118.3, NM_001114753.2); c.1407delG, p.Gln471Serfs (NM_000118.4); c.864del, p.Gln289fs (NM_001278138.2); short protein forms Q289fs, Q471fs.
Identifiers: ClinVar variation 426044 (VCV000426044.12), dbSNP rs1085307433, ClinGen allele CA645294054.

ClinVar aggregate classification (germline): Pathogenic. Review status: criteria provided, single submitter (1 of 4 stars). 2 submissions from 2 submitters: Pathogenic (1). 1 of the submissions does not count toward it. Last evaluated 2018-07-18.

Conditions:
Hereditary hemorrhagic telangiectasia (HHT). Also called: ORW DISEASE; Osler Weber Rendu syndrome; OSLER-RENDU-WEBER DISEASE; Osler hemorrhagic telangiectasia syndrome. Identifiers: Orphanet 774, MedGen C0039445, MONDO:0019180. Disease mechanism: loss of function.
Pulmonary arterial hypertension related to hereditary hemorrhagic telangiectasia. Also called: PULMONARY ARTERIAL HYPERTENSION, HEREDITARY HEMORRHAGIC TELANGIECTASIA-RELATED. Identifiers: MedGen C1832529.

Submissions (2):

Labcorp Genetics (formerly Invitae), Labcorp
Classification: Pathogenic for Hereditary hemorrhagic telangiectasia. Last evaluated: 2018-07-18. Review status: criteria provided, single submitter. Criteria: Invitae Variant Classification Sherloc (09022015). Collection method: clinical testing. Allele origin: germline.
Comment: For these reasons, this variant has been classified as Pathogenic. This sequence change creates a premature translational stop signal (p.Gln471Serfs*20) in the ENG gene. It is expected to result in an absent or disrupted protein product. This variant is not present in population databases (ExAC no frequency). This variant has been observed in individuals affected with hereditary haemorrhagic telangiectasia (PMID: 15024723, 15115879, Invitae). This variant is also known as del470G and p.Gly470fsX490 in the literature. ClinVar contains an entry for this variant (Variation ID: 426044). Loss-of-function variants in ENG are known to be pathogenic (PMID: 15879500, 20656886, 22385575).

Rare Disease Genomics Group, St George's University of London
Classification: Pathogenic for Pulmonary arterial hypertension related to hereditary hemorrhagic telangiectasia. Review status: no assertion criteria provided. Collection method: literature only. Allele origin: germline. Affected: yes. Not counted in ClinVar's aggregate classification.

Literature cited by the submitters: PubMed 15024723 (cited by Labcorp Genetics (formerly Invitae), Labcorp); PubMed 15115879 (cited by Labcorp Genetics (formerly Invitae), Labcorp and Rare Disease Genomics Group, St George's University of London); PubMed 15879500 (cited by Labcorp Genetics (formerly Invitae), Labcorp); PubMed 20656886 (cited by Labcorp Genetics (formerly Invitae), Labcorp); PubMed 22385575 (cited by Labcorp Genetics (formerly Invitae), Labcorp).